The following is an entry in ClinVar:

ClinVar aggregate classification (germline): Likely benign. Review status: criteria provided, multiple submitters, no conflicts (2 of 4 stars). 2 submissions from 2 submitters: Likely benign (2). Last evaluated 2024-12-15.

Conditions:
Hypertrophic cardiomyopathy. Also called: HYPERTROPHIC MYOCARDIOPATHY. Identifiers: Orphanet 217569, MedGen C0007194, MeSH D002312, MONDO:0005045, HP:0001639.
Lethal congenital glycogen storage disease of heart. Also called: PHOSPHORYLASE KINASE DEFICIENCY OF HEART; GLYCOGEN STORAGE DISEASE OF HEART. Identifiers: Orphanet 439854, MedGen C1849813, MONDO:0009867, OMIM 261740.

Allele frequency attached by ClinVar (database versions not stated): gnomAD exomes below 0.00001 and 0.00001; TOPMed below 0.00001; gnomAD 0.00001.
gnomAD v4.1: 4 of 1,611,944 alleles (0.00025%); highest among the groups gnomAD compares: South Asian, 0.0011%; no homozygotes.

Submissions (2):

Labcorp Genetics (formerly Invitae), Labcorp
Classification: Likely benign for Lethal congenital glycogen storage disease of heart. Last evaluated: 2024-12-15. Review status: criteria provided, single submitter. Criteria: Invitae Variant Classification Sherloc (09022015). Collection method: clinical testing. Allele origin: germline.

All of Us Research Program, National Institutes of Health
Classification: Likely benign for Hypertrophic cardiomyopathy. Last evaluated: 2023-10-23. Review status: criteria provided, single submitter. Criteria: ACMG Guidelines, 2015. Collection method: clinical testing. Allele origin: germline. Inheritance: Autosomal dominant inheritance. Observed: 1 variant allele, 1 heterozygote.
Comment: This study involves interpretation of variants in research participants for the purpose of population health screening. Participant phenotype was not available at the time of variant classification. Additional details can be found in publication PMID: 35346344, PMCID: PMC8962531

NM_016203.4(PRKAG2):c.117C>T (p.Asp39=)

Gene: PRKAG2 (protein kinase AMP-activated non-catalytic subunit gamma 2; minus strand). Cytogenetic location: 7q36.1.
Variant type: single nucleotide variant.
Coding change: c.117C>T on transcript NM_016203.4 (MANE Select); coding-DNA position 117, C replaced by T.
Protein change: p.Asp39=; no amino-acid change (aspartic acid 39 retained).
Molecular consequence: synonymous variant. On other transcripts: 5 prime UTR variant (1).
Genome position (GRCh38, 1-based): chr7:151,786,539, G>A on the plus strand (C>T on the coding strand, the complement: PRKAG2 is on the minus strand). VCF-style: chr7-151786539-G-A. GRCh37 (hg19) VCF-style: chr7-151483625-G-A.
Other names: c.-16C>T (NM_001040633.2).
Identifiers: ClinVar variation 1108219 (VCV001108219.10), dbSNP rs1220899353, ClinGen allele CA458672124.